The following is an entry in ClinVar:

NM_004972.4(JAK2):c.2516G>C (p.Arg839Pro)

Genes: INSL6 (insulin like 6; minus strand), JAK2 (Janus kinase 2; plus strand). Cytogenetic location: 9p24.1.
Variant type: single nucleotide variant.
Coding change: c.2516G>C on transcript NM_004972.4 (MANE Select); coding-DNA position 2516, G replaced by C.
Protein change: p.Arg839Pro; replaces arginine 839 with proline.
Molecular consequence: missense variant. On other transcripts: non-coding transcript variant (2).
Genome position (GRCh38, 1-based): chr9:5,081,806, G>C. VCF-style: chr9-5081806-G-C. GRCh37 (hg19) VCF-style: chr9-5081806-G-C.
Other names: c.2516G>C, p.Arg839Pro (NM_001322194.2, NM_001322195.2, NM_001322196.2); c.1301G>C, p.Arg434Pro (NM_001322198.2, NM_001322199.2); c.2069G>C, p.Arg690Pro (NM_001322204.2); short protein forms R434P, R690P, R839P.
Identifiers: ClinVar variation 1908564 (VCV001908564.6), dbSNP rs747381013, ClinGen allele CA188437389.

ClinVar aggregate classification (germline): Uncertain significance. Review status: criteria provided, multiple submitters, no conflicts (2 of 4 stars). 2 submissions from 2 submitters: Uncertain significance (2). Last evaluated 2023-10-13.

Conditions:
Inborn genetic diseases. Identifiers: MedGen C0950123, MeSH D030342.

Submissions (2):

Labcorp Genetics (formerly Invitae), Labcorp
Classification: Uncertain significance. Last evaluated: 2023-10-13. Review status: criteria provided, single submitter. Criteria: Invitae Variant Classification Sherloc (09022015). Collection method: clinical testing. Allele origin: germline.
Comment: This sequence change replaces arginine, which is basic and polar, with proline, which is neutral and non-polar, at codon 839 of the JAK2 protein (p.Arg839Pro). This variant is not present in population databases (gnomAD no frequency). This variant has not been reported in the literature in individuals affected with JAK2-related conditions. ClinVar contains an entry for this variant (Variation ID: 1908564). An algorithm developed to predict the effect of missense changes on protein structure and function (PolyPhen-2) suggests that this variant is likely to be tolerated. In summary, the available evidence is currently insufficient to determine the role of this variant in disease. Therefore, it has been classified as a Variant of Uncertain Significance.

Ambry Genetics
Classification: Uncertain significance for Inborn genetic diseases. Last evaluated: 2021-11-29. Review status: criteria provided, single submitter. Criteria: Ambry Variant Classification Scheme 2023. Collection method: clinical testing. Allele origin: germline.